The following is an entry in ClinVar:

NM_003054.6(SLC18A2):c.1131T>C (p.Phe377=)

Gene: SLC18A2 (solute carrier family 18 member A2; plus strand). Cytogenetic location: 10q25.3.
Variant type: single nucleotide variant.
Coding change: c.1131T>C on transcript NM_003054.6 (MANE Select); coding-DNA position 1131, T replaced by C.
Protein change: p.Phe377=; no amino-acid change (phenylalanine 377 retained).
Molecular consequence: synonymous variant.
Genome position (GRCh38, 1-based): chr10:117,267,681, T>C. VCF-style: chr10-117267681-T-C. GRCh37 (hg19) VCF-style: chr10-119027192-T-C.
Identifiers: ClinVar variation 725482 (VCV000725482.12), dbSNP rs750330569, ClinGen allele CA5710579.
Genomic context (GRCh38, chr10:117,267,681, plus strand): 5'-TTTAGAGTTGGATCTCTTGTTATTTTAGCATAATGTTTATTTCCTCTTACAGATTCCATT[T>C]GCAAAAAACATTTATGGACTCATAGCTCCGAACTTTGGAGTTGGTTTTGCAATTGGTAAG-3'
Protein context (NP_003045.2, residues 367-387): IVGVSILCIP[Phe377=]AKNIYGLIAP

ClinVar aggregate classification (germline): Benign/Likely benign. Review status: criteria provided, multiple submitters, no conflicts (2 of 4 stars). 2 submissions from 2 submitters: Benign (1); Likely benign (1). Last evaluated 2025-12-01.

Allele frequency attached by ClinVar (database versions not stated): gnomAD 0.00003 and 0.00004; gnomAD exomes 0.00004 and 0.00021; TOPMed 0.00006; ExAC 0.00024.
gnomAD v4.1: 63 of 1,563,952 alleles (0.004%); highest among the groups gnomAD compares: Admixed American, 0.076%; 1 homozygote.

Submissions (2):

CeGaT Center for Human Genetics Tuebingen
Classification: Likely benign. Last evaluated: 2025-12-01. Review status: criteria provided, single submitter. Criteria: CeGaT Center For Human Genetics Tuebingen Variant Classification Criteria Version 2. Collection method: clinical testing. Allele origin: germline. Affected: yes. Observed: 1 variant allele.
Comment: SLC18A2: BP4, BP7

Labcorp Genetics (formerly Invitae), Labcorp
Classification: Benign. Last evaluated: 2025-08-12. Review status: criteria provided, single submitter. Criteria: Invitae Variant Classification Sherloc (09022015). Collection method: clinical testing. Allele origin: germline.